The following is an entry in ClinVar:

NM_006129.5(BMP1):c.23C>A (p.Pro8Gln)

Genes: BMP1 (bone morphogenetic protein 1; plus strand), LOC129999976 (ATAC-STARR-seq lymphoblastoid silent region 18982; plus strand). Cytogenetic location: 8p21.3.
Variant type: single nucleotide variant.
Coding change: c.23C>A on transcript NM_006129.5 (MANE Select); coding-DNA position 23, C replaced by A.
Protein change: p.Pro8Gln; replaces proline 8 with glutamine.
Molecular consequence: missense variant. On other transcripts: non-coding transcript variant (2).
Genome position (GRCh38, 1-based): chr8:22,165,428, C>A. VCF-style: chr8-22165428-C-A. GRCh37 (hg19) VCF-style: chr8-22022941-C-A.
Other names: c.23C>A, p.Pro8Gln (NM_001199.4); short protein forms P8Q.
Identifiers: ClinVar variation 4808190 (VCV004808190.1).

ClinVar aggregate classification (germline): Uncertain significance (1 of 4 stars; one submission).

Submission:

Labcorp Genetics (formerly Invitae), Labcorp
Classification: Uncertain significance. Last evaluated: 2025-03-05. Review status: criteria provided, single submitter. Criteria: Invitae Variant Classification Sherloc (09022015). Collection method: clinical testing. Allele origin: germline.
Comment: This sequence change replaces proline, which is neutral and non-polar, with glutamine, which is neutral and polar, at codon 8 of the BMP1 protein (p.Pro8Gln). This variant is not present in population databases (gnomAD no frequency). This variant has not been reported in the literature in individuals affected with BMP1-related conditions. An algorithm developed to predict the effect of missense changes on protein structure and function (PolyPhen-2) suggests that this variant is likely to be tolerated. In summary, the available evidence is currently insufficient to determine the role of this variant in disease. Therefore, it has been classified as a Variant of Uncertain Significance.